The following is an entry in ClinVar:

GRCh37/hg19 17q24.3-25.1(chr17:70720436-73175266)

Genes: ARMC7 (armadillo repeat containing 7; plus strand), ATP5PD (ATP synthase peripheral stalk subunit d; minus strand), BTBD17 (BTB domain containing 17; minus strand), CD300A (CD300a molecule; plus strand), CD300C (CD300c molecule; minus strand) and 37 more. Cytogenetic location: 17q24.3-25.1.
Variant type: copy number gain.
Identifiers: ClinVar variation 625759 (VCV000625759.1).

ClinVar aggregate classification (germline): Pathogenic (1 of 4 stars; one submission).

Submission:

Baylor Genetics
Classification: Pathogenic. Last evaluated: 2018-11-01. Review status: criteria provided, single submitter. Criteria: ACMG CNV Guidelines, 2011. Collection method: clinical testing. Allele origin: germline. Observed: 1 variant allele.